The following is an entry in ClinVar:

NM_002137.4(HNRNPA2B1):c.834T>C (p.Tyr278=)

Gene: HNRNPA2B1 (heterogeneous nuclear ribonucleoprotein A2/B1; minus strand). Cytogenetic location: 7p15.2.
Variant type: single nucleotide variant.
Coding change: c.834T>C on transcript NM_002137.4 (MANE Select); coding-DNA position 834, T replaced by C.
Protein change: p.Tyr278=; no amino-acid change (tyrosine 278 retained).
Molecular consequence: synonymous variant. On other transcripts: intron variant (6).
Genome position (GRCh38, 1-based): chr7:26,193,582, A>G on the plus strand (T>C on the coding strand, the complement: HNRNPA2B1 is on the minus strand). VCF-style: chr7-26193582-A-G. GRCh37 (hg19) VCF-style: chr7-26233202-A-G.
Other names: p.Tyr290=; c.834T>C, p.Tyr278= (NM_001438063.1, NM_001438571.1, NM_001438572.1); c.870T>C, p.Tyr290= (NM_001438568.1, NM_001438569.1, NM_001438570.1 and 1 more transcripts); c.722-209T>C (NM_001438578.1, NM_001438576.1, NM_001438575.1 and 1 more transcripts); c.758-209T>C (NM_001438574.1, NM_001438573.1).
Identifiers: ClinVar variation 4683258 (VCV004683258.1).
Genomic context (GRCh38, chr7:26,193,582, plus strand): 5'-ACAAAGACATTAATTCCAAATTCCCACATAAAGGTTGCAGGTGAATTTATTACCTCCTCC[A>G]TAGTTGTCATAACCACCTCCGTAGCCCCCACCCTGGTTGCCATATCCAGGTCCTCCACCA-3'
Protein context (NP_002128.1, residues 268-288): GGGYGGGYDN[Tyr278=]GGGNYGSGNY

ClinVar aggregate classification (germline): Likely benign (1 of 4 stars; one submission).

Submission:

Mayo Clinic Laboratories, Mayo Clinic
Classification: Likely benign. Last evaluated: 2025-05-07. Review status: criteria provided, single submitter. Criteria: ACMG Guidelines, 2015. Collection method: clinical testing. Allele origin: germline. Observed: 1 variant allele.
Comment: BP4, BP5, BP7